The following is an entry in ClinVar:

NM_004370.6(COL12A1):c.2879C>T (p.Thr960Met)

Gene: COL12A1 (collagen type XII alpha 1 chain; minus strand). Cytogenetic location: 6q13.
Variant type: single nucleotide variant.
Coding change: c.2879C>T on transcript NM_004370.6 (MANE Select); coding-DNA position 2879, C replaced by T.
Protein change: p.Thr960Met; replaces threonine 960 with methionine.
Molecular consequence: missense variant. On other transcripts: intron variant (1).
Genome position (GRCh38, 1-based): chr6:75,165,611, G>A on the plus strand (C>T on the coding strand, the complement: COL12A1 is on the minus strand). VCF-style: chr6-75165611-G-A. GRCh37 (hg19) VCF-style: chr6-75875327-G-A.
Other names: c.74-13129C>T (NM_080645.3); short protein forms T960M.
Identifiers: ClinVar variation 475853 (VCV000475853.21), dbSNP rs200698641, ClinGen allele CA3893859.

ClinVar aggregate classification (germline): Conflicting classifications of pathogenicity. Review status: criteria provided, conflicting classifications (1 of 4 stars). 4 submissions from 4 submitters: Uncertain significance (3); Likely benign (1). Last evaluated 2026-06-01.

Conditions:
Bethlem myopathy. Identifiers: Orphanet 610, MedGen C1834674, MONDO:0008029.
Bethlem myopathy 2 (BTHLM2). Identifiers: Orphanet 536516, Orphanet 610, MedGen C4225313, MONDO:0034022, OMIM 616471.
Ullrich congenital muscular dystrophy 2 (UCMD2). Identifiers: Orphanet 75840, MedGen C4225314, MONDO:0014654, OMIM 616470.

Allele frequency attached by ClinVar (database versions not stated): TOPMed 0.00005; ExAC 0.00006; gnomAD 0.00007 and 0.00008; gnomAD exomes 0.00007; ESP Exome Variant Server 0.00008.
gnomAD v4.1: 61 of 1,613,744 alleles (0.0038%); highest among the groups gnomAD compares: East Asian, 0.04%; no homozygotes.

Submissions (4):

CeGaT Center for Human Genetics Tuebingen
Classification: Uncertain significance. Last evaluated: 2026-06-01. Review status: criteria provided, single submitter. Criteria: CeGaT Center For Human Genetics Tuebingen Variant Classification Criteria Version 2. Collection method: clinical testing. Allele origin: germline. Affected: yes. Observed: 1 variant allele.
Comment: COL12A1: PM2, BP4

Labcorp Genetics (formerly Invitae), Labcorp
Classification: Likely benign for Bethlem myopathy 2; Ullrich congenital muscular dystrophy 2. Last evaluated: 2026-01-12. Review status: criteria provided, single submitter. Criteria: Invitae Variant Classification Sherloc (09022015). Collection method: clinical testing. Allele origin: germline.

GeneDx
Classification: Uncertain significance. Last evaluated: 2025-04-24. Review status: criteria provided, single submitter. Criteria: GeneDx Variant Classification Process June 2021. Collection method: clinical testing. Allele origin: germline. Affected: yes.
Comment: In silico analysis indicates that this missense variant does not alter protein structure/function; Has not been previously published as pathogenic or benign to our knowledge

Revvity Omics, Revvity
Classification: Uncertain significance. Last evaluated: 2019-06-21. Review status: criteria provided, single submitter. Criteria: ACMG Guidelines, 2015. Collection method: clinical testing. Allele origin: germline.